The following is an entry in ClinVar:

NM_000539.3(RHO):c.979_982del (p.Pro327fs)

Gene: RHO (rhodopsin; plus strand). Cytogenetic location: 3q22.1.
Variant type: Deletion.
Coding change: c.979_982del on transcript NM_000539.3 (MANE Select); coding-DNA positions 979 to 982, 4 bases deleted (CCAC; older notation c.979_982delCCAC).
Protein change: p.Pro327fs; shifts the reading frame from proline 327.
Molecular consequence: frameshift variant.
Genome position (GRCh38, 1-based): chr3:129,533,650-129,533,653, CCAC deleted; deleting any 4 consecutive bases within chr3:129,533,648-129,533,653 gives the same sequence; the c. name uses the placement nearest the transcript's 3' end. VCF-style (leftmost placement, unchanged base first): chr3-129533647-AACCC-A. GRCh37 (hg19) VCF-style: chr3-129252490-AACCC-A.
Other names: c.977_980del (NM_000539.3); short protein forms P327fs.
Identifiers: ClinVar variation 143083 (VCV000143083.2), dbSNP rs527236102, ClinGen allele CA270026.

ClinVar aggregate classification (germline): Likely pathogenic (0 of 4 stars; one submission).

Conditions:
Retinitis pigmentosa (RP). Identifiers: Orphanet 791, MedGen C0035334, MeSH D012174, MONDO:0019200, OMIM 268000. Inheritance: Autosomal dominant, autosomal recessive and X linked inheritance.

Submission:

Department of Ophthalmology and Visual Sciences Kyoto University
Classification: Likely pathogenic for Retinitis pigmentosa. Review status: no assertion criteria provided. Collection method: not provided. Allele origin: unknown.
ClinVar note: Converted during submission from probable-pathogenic to Likely pathogenic.